The following is an entry in ClinVar:

NM_001374353.1(GLI2):c.148+6_148+13del

Gene: GLI2 (GLI family zinc finger 2; plus strand). Cytogenetic location: 2q14.2.
Variant type: Deletion.
Coding change: c.148+6_148+13del on transcript NM_001374353.1 (MANE Select); bases 6 to 13 of the intron after coding-DNA position 148, 8 bases deleted (TTCTGTTT; older notation c.148+6_148+13delTTCTGTTT).
Molecular consequence: intron variant.
Genome position (GRCh38, 1-based): chr2:120,797,474-120,797,481, TTCTGTTT deleted; deleting any 8 consecutive bases within chr2:120,797,473-120,797,481 gives the same sequence; the c. name uses the placement nearest the transcript's 3' end. VCF-style (leftmost placement, unchanged base first): chr2-120797472-CTTTCTGTT-C. GRCh37 (hg19) VCF-style: chr2-121555048-CTTTCTGTT-C.
Other names: c.148+6_148+13del (NM_001371271.1, NM_005270.5); c.-122+6_-122+13del (NM_001374354.1).
Identifiers: ClinVar variation 3754503 (VCV003754503.2).

ClinVar aggregate classification (germline): Uncertain significance (1 of 4 stars; one submission).

Conditions:
Holoprosencephaly 9 (HPE9). Also called: PITUITARY ANOMALIES WITH HOLOPROSENCEPHALY-LIKE FEATURES; HOLOPROSENCEPHALY WITH MICROPHTHALMIA AND FIRST BRANCHIAL ARCH ANOMALIES. Identifiers: Orphanet 2162, MedGen C1835819, MONDO:0012563, OMIM 610829.
Postaxial polydactyly-anterior pituitary anomalies-facial dysmorphism syndrome. Also called: Culler-Jones syndrome. Identifiers: Orphanet 420584, MedGen C4014479, MONDO:0014369, OMIM 615849.

Submission:

Labcorp Genetics (formerly Invitae), Labcorp
Classification: Uncertain significance for Postaxial polydactyly-anterior pituitary anomalies-facial dysmorphism syndrome; Holoprosencephaly 9. Last evaluated: 2024-05-07. Review status: criteria provided, single submitter. Criteria: Invitae Variant Classification Sherloc (09022015). Collection method: clinical testing. Allele origin: germline.
Comment: This sequence change falls in intron 1 of the GLI2 gene. It does not directly change the encoded amino acid sequence of the GLI2 protein. It affects a nucleotide within the consensus splice site. This variant is present in population databases (rs753233853, gnomAD 0.006%). This variant has not been reported in the literature in individuals affected with GLI2-related conditions. Variants that disrupt the consensus splice site are a relatively common cause of aberrant splicing (PMID: 17576681, 9536098). Algorithms developed to predict the effect of sequence changes on RNA splicing suggest that this variant is not likely to affect RNA splicing. In summary, the available evidence is currently insufficient to determine the role of this variant in disease. Therefore, it has been classified as a Variant of Uncertain Significance.

Literature cited by the submitters: PubMed 17576681; PubMed 9536098.